The following is an entry in ClinVar:

NM_152393.4(KLHL40):c.680G>C (p.Arg227Pro)

Gene: KLHL40 (kelch like family member 40; plus strand). Cytogenetic location: 3p22.1.
Variant type: single nucleotide variant.
Coding change: c.680G>C on transcript NM_152393.4 (MANE Select); coding-DNA position 680, G replaced by C.
Protein change: p.Arg227Pro; replaces arginine 227 with proline.
Molecular consequence: missense variant.
Genome position (GRCh38, 1-based): chr3:42,686,298, G>C. VCF-style: chr3-42686298-G-C. GRCh37 (hg19) VCF-style: chr3-42727790-G-C.
Other names: short protein forms R227P.
Identifiers: ClinVar variation 962711 (VCV000962711.4), dbSNP rs750754016, ClinGen allele CA2336712.

ClinVar aggregate classification (germline): Uncertain significance (1 of 4 stars; one submission).

Conditions:
Nemaline myopathy 8 (NEM8). Also called: Nemaline myopathy 8, autosomal recessive. Identifiers: Orphanet 171430, MedGen C3809209, MONDO:0014138, OMIM 615348.

gnomAD v4.1: 4 of 1,590,336 alleles (0.00025%); highest among the groups gnomAD compares: Admixed American, 0.0071%; no homozygotes.

Submission:

Labcorp Genetics (formerly Invitae), Labcorp
Classification: Uncertain significance for Nemaline myopathy 8. Last evaluated: 2022-10-13. Review status: criteria provided, single submitter. Criteria: Invitae Variant Classification Sherloc (09022015). Collection method: clinical testing. Allele origin: germline.
Comment: This sequence change replaces arginine, which is basic and polar, with proline, which is neutral and non-polar, at codon 227 of the KLHL40 protein (p.Arg227Pro). This variant is present in population databases (rs750754016, gnomAD 0.01%). This variant has not been reported in the literature in individuals affected with KLHL40-related conditions. ClinVar contains an entry for this variant (Variation ID: 962711). Algorithms developed to predict the effect of missense changes on protein structure and function (SIFT, PolyPhen-2, Align-GVGD) all suggest that this variant is likely to be disruptive. In summary, the available evidence is currently insufficient to determine the role of this variant in disease. Therefore, it has been classified as a Variant of Uncertain Significance.